The following is an entry in ClinVar:

ClinVar aggregate classification (germline): Likely pathogenic (1 of 4 stars; one submission).

Conditions:
Familial cancer of breast. Also called: Hereditary breast cancer; BREAST CANCER, FAMILIAL; hereditary breast carcinoma. Identifiers: Orphanet 227535, MedGen C0346153, MONDO:0016419, OMIM 114480. Disease mechanism: loss of function.

Submission:

Myriad Genetics, Inc.
Classification: Likely pathogenic for Familial cancer of breast. Last evaluated: 2023-06-29. Review status: criteria provided, single submitter. Criteria: Myriad Autosomal Dominant, Autosomal Recessive and X-Linked Classification Criteria (2023). Collection method: clinical testing. Allele origin: unknown.
Comment: This variant is considered likely pathogenic. This variant occurs within a consensus splice junction and is predicted to result in abnormal mRNA splicing of either an out-of-frame exon or an in-frame exon necessary for protein stability and/or normal function.

NM_007194.4(CHEK2):c.1543-44_1581del

Gene: CHEK2 (checkpoint kinase 2; minus strand). Cytogenetic location: 22q12.1.
Variant type: Deletion.
Coding change: c.1543-44_1581del on transcript NM_007194.4 (MANE Select); 44 bases into the intron before coding-DNA position 1543 through coding-DNA position 1581, 83 bases deleted.
Molecular consequence: splice acceptor variant.
Genome position (GRCh38, 1-based): chr22:28,687,948-28,688,030, 83 bases deleted. GRCh37 (hg19): chr22:29,083,942-29,084,024.
Other names: c.880-44_918del (NM_001437942.1, NM_001257387.3); c.1342-44_1380del (NM_001349956.3); c.1456-44_1494del (NM_145862.3); c.1549-44_1587del (NM_001438295.1); c.1636-44_1674del (NM_001438293.1); c.1585-44_1623del (NM_001438294.1); c.1672-44_1710del (NM_001005735.3).
Identifiers: ClinVar variation 2583652 (VCV002583652.2), dbSNP rs2517748343, ClinGen allele CA2582342734.